The following is an entry in ClinVar:

NM_019844.4(SLCO1B3):c.593A>G (p.Asp198Gly)

Genes: SLCO1B3 (solute carrier organic anion transporter family member 1B3; plus strand), SLCO1B3-SLCO1B7 (SLCO1B3-SLCO1B7 readthrough; plus strand). Cytogenetic location: 12p12.2.
Variant type: single nucleotide variant.
Coding change: c.593A>G on transcript NM_019844.4 (MANE Select); coding-DNA position 593, A replaced by G.
Protein change: p.Asp198Gly; replaces aspartic acid 198 with glycine.
Molecular consequence: missense variant.
Genome position (GRCh38, 1-based): chr12:20,862,523, A>G. VCF-style: chr12-20862523-A-G. GRCh37 (hg19) VCF-style: chr12-21015457-A-G.
Other names: c.593A>G, p.Asp198Gly (NM_001371097.1); c.509A>G, p.Asp170Gly (NM_001349920.2); short protein forms D170G, D198G.
Identifiers: ClinVar variation 4988853 (VCV004988853.1).

ClinVar aggregate classification (germline): Uncertain significance (1 of 4 stars; one submission).

Conditions:
SLCO1B3-related disorder. Also called: SLCO1B3-related condition.

gnomAD v4.1: 22 of 1,611,590 alleles (0.0014%); highest among the groups gnomAD compares: Admixed American, 0.0034%; no homozygotes.

Submission:

PreventionGenetics, part of Exact Sciences
Classification: Uncertain significance for SLCO1B3-related condition. Last evaluated: 2026-07-10. Review status: criteria provided, single submitter. Criteria: ACMG Guidelines, 2015. Collection method: clinical testing. Allele origin: germline.
Comment: The SLCO1B3 c.593A>G variant is predicted to result in the amino acid substitution p.Asp198Gly. To our knowledge, this variant has not been reported in the literature. This variant is reported in 0.012% of alleles in individuals of African descent in gnomAD. At this time, the clinical significance of this variant is uncertain due to the absence of conclusive functional and genetic evidence.